The following is an entry in ClinVar:

NM_006389.5(HYOU1):c.2449A>G (p.Lys817Glu)

Gene: HYOU1 (hypoxia up-regulated 1; minus strand). Cytogenetic location: 11q23.3.
Variant type: single nucleotide variant.
Coding change: c.2449A>G on transcript NM_006389.5 (MANE Select); coding-DNA position 2449, A replaced by G.
Protein change: p.Lys817Glu; replaces lysine 817 with glutamic acid.
Molecular consequence: missense variant.
Genome position (GRCh38, 1-based): chr11:119,048,008, T>C on the plus strand (A>G on the coding strand, the complement: HYOU1 is on the minus strand). VCF-style: chr11-119048008-T-C. GRCh37 (hg19) VCF-style: chr11-118918720-T-C.
Other names: c.2449A>G, p.Lys817Glu (NM_001130991.3); short protein forms K817E.
Identifiers: ClinVar variation 1469878 (VCV001469878.6), dbSNP rs2134682173, ClinGen allele CA382924200.

ClinVar aggregate classification (germline): Uncertain significance (1 of 4 stars; one submission).

Submission:

Labcorp Genetics (formerly Invitae), Labcorp
Classification: Uncertain significance. Last evaluated: 2021-05-11. Review status: criteria provided, single submitter. Criteria: Invitae Variant Classification Sherloc (09022015). Collection method: clinical testing. Allele origin: germline.
Comment: Algorithms developed to predict the effect of missense changes on protein structure and function are either unavailable or do not agree on the potential impact of this missense change (SIFT: "Not Available"; PolyPhen-2: "Benign"; Align-GVGD: "Not Available"). In summary, the available evidence is currently insufficient to determine the role of this variant in disease. Therefore, it has been classified as a Variant of Uncertain Significance. This variant has not been reported in the literature in individuals with HYOU1-related conditions. This variant is not present in population databases (ExAC no frequency). This sequence change replaces lysine with glutamic acid at codon 817 of the HYOU1 protein (p.Lys817Glu). The lysine residue is moderately conserved and there is a small physicochemical difference between lysine and glutamic acid.